The following is an entry in ClinVar:

NM_015909.4(NBAS):c.6908G>A (p.Cys2303Tyr)

Gene: NBAS (NBAS subunit of NRZ tethering complex; minus strand). Cytogenetic location: 2p24.3.
Variant type: single nucleotide variant.
Coding change: c.6908G>A on transcript NM_015909.4 (MANE Select); coding-DNA position 6908, G replaced by A.
Protein change: p.Cys2303Tyr; replaces cysteine 2303 with tyrosine.
Molecular consequence: missense variant. On other transcripts: non-coding transcript variant (1).
Genome position (GRCh38, 1-based): chr2:15,167,256, C>T on the plus strand (G>A on the coding strand, the complement: NBAS is on the minus strand). VCF-style: chr2-15167256-C-T. GRCh37 (hg19) VCF-style: chr2-15307380-C-T.
Other names: short protein forms C2303Y.
Identifiers: ClinVar variation 1352531 (VCV001352531.5), dbSNP rs766215589, ClinGen allele CA1534819.

ClinVar aggregate classification (germline): Uncertain significance (1 of 4 stars; one submission).

Allele frequency attached by ClinVar (database versions not stated): ExAC 0.00001; gnomAD exomes 0.00001 and 0.00003.
gnomAD v4.1: 37 of 1,614,126 alleles (0.0023%); highest among the groups gnomAD compares: Non-Finnish European, 0.0031%; no homozygotes.

Submission:

Labcorp Genetics (formerly Invitae), Labcorp
Classification: Uncertain significance. Last evaluated: 2022-09-13. Review status: criteria provided, single submitter. Criteria: Invitae Variant Classification Sherloc (09022015). Collection method: clinical testing. Allele origin: germline.
Comment: This sequence change replaces cysteine, which is neutral and slightly polar, with tyrosine, which is neutral and polar, at codon 2303 of the NBAS protein (p.Cys2303Tyr). This variant is present in population databases (rs766215589, gnomAD 0.0009%). This variant has not been reported in the literature in individuals affected with NBAS-related conditions. ClinVar contains an entry for this variant (Variation ID: 1352531). Advanced modeling of protein sequence and biophysical properties (such as structural, functional, and spatial information, amino acid conservation, physicochemical variation, residue mobility, and thermodynamic stability) performed at Invitae indicates that this missense variant is not expected to disrupt NBAS protein function. In summary, the available evidence is currently insufficient to determine the role of this variant in disease. Therefore, it has been classified as a Variant of Uncertain Significance.